The following is an entry in ClinVar:

NM_181882.3(PRX):c.3394G>A (p.Gly1132Arg)

Gene: PRX (periaxin; minus strand). Cytogenetic location: 19q13.2.
Variant type: single nucleotide variant.
Coding change: c.3394G>A on transcript NM_181882.3 (MANE Select); coding-DNA position 3394, G replaced by A.
Protein change: p.Gly1132Arg; replaces glycine 1132 with arginine.
Molecular consequence: missense variant. On other transcripts: 3 prime UTR variant (1).
Genome position (GRCh38, 1-based): chr19:40,394,958, C>T on the plus strand (G>A on the coding strand, the complement: PRX is on the minus strand). VCF-style: chr19-40394958-C-T. GRCh37 (hg19) VCF-style: chr19-40900865-C-T.
Other names: c.*3599G>A (NM_020956.2); short protein forms G1132R.
Identifiers: ClinVar variation 130053 (VCV000130053.33), dbSNP rs268674, ClinGen allele CA154812.

ClinVar aggregate classification (germline): Benign/Likely benign. Review status: criteria provided, multiple submitters, no conflicts (2 of 4 stars). 15 submissions from 14 submitters: Benign (10); Likely benign (1). 4 of the submissions do not count toward it. Last evaluated 2026-02-04.

Conditions:
Charcot-Marie-Tooth disease. Also called: Charcot-Marie-Tooth Hereditary Neuropathy; Charcot-Marie-Tooth Neuropathy. Identifiers: Orphanet 166, MedGen C0007959, MONDO:0015626.
Charcot-Marie-Tooth disease type 4. Also called: Charcot-Marie-Tooth, Type 4; Charcot-Marie-Tooth disease, type IV. Identifiers: Orphanet 64749, MedGen C4082197, MONDO:0018995.
Dejerine-Sottas disease. Also called: HMSN Type III; Hereditary motor and sensory neuropathy 3; HEREDITARY MOTOR AND SENSORY NEUROPATHY TYPE III; Charcot-Marie-Tooth disease type 3; DEJERINE-SOTTAS NEUROPATHY. Identifiers: Orphanet 64748, MedGen C0011195, MONDO:0007790, OMIM 145900.
Charcot-Marie-Tooth disease type 4F. Also called: Charcot-Marie-Tooth disease, demyelinating, type 4F. Identifiers: Orphanet 99952, MedGen C3540453, MONDO:0013959, OMIM 614895.

Allele frequency attached by ClinVar (database versions not stated): gnomAD exomes 0.94253 and 0.94625; ExAC 0.94692; ESP Exome Variant Server 0.95379; TOPMed 0.95785; gnomAD 0.95976; 1000 Genomes Project 30x 0.96533; 1000 Genomes Project 0.96546.
gnomAD v4.1: 1,517,859 of 1,608,036 alleles (94%); highest among the groups gnomAD compares: African/African-American, 99%; 716,680 homozygotes.

Submissions (15):

Labcorp Genetics (formerly Invitae), Labcorp
Classification: Benign for Charcot-Marie-Tooth disease type 4. Last evaluated: 2026-02-04. Review status: criteria provided, single submitter. Criteria: Invitae Variant Classification Sherloc (09022015). Collection method: clinical testing. Allele origin: germline.

Blueprint Genetics
Classification: Likely benign. Last evaluated: 2024-11-28. Review status: criteria provided, single submitter. Criteria: ACMG Guidelines, 2015. Collection method: clinical testing. Allele origin: germline.

Genome-Nilou Lab
Classification: Benign for Charcot-Marie-Tooth disease type 4F. Last evaluated: 2021-10-25. Review status: criteria provided, single submitter. Criteria: ACMG Guidelines, 2015. Collection method: clinical testing. Allele origin: germline. Affected: no.

Genome-Nilou Lab
Classification: Benign for Dejerine-Sottas disease. Last evaluated: 2021-10-25. Review status: criteria provided, single submitter. Criteria: ACMG Guidelines, 2015. Collection method: clinical testing. Allele origin: germline. Affected: no.

Illumina Laboratory Services, Illumina
Classification: Benign for Charcot-Marie-Tooth disease type 4F. Last evaluated: 2018-01-13. Review status: criteria provided, single submitter. Criteria: ICSL Variant Classification Criteria 13 December 2019. Collection method: clinical testing. Allele origin: germline.
Comment: This variant was observed in the ICSL laboratory as part of a predisposition screen in an ostensibly healthy population. It had not been previously curated by ICSL or reported in the Human Gene Mutation Database (HGMD: prior to June 1st, 2018), and was therefore a candidate for classification through an automated scoring system. Utilizing variant allele frequency, disease prevalence and penetrance estimates, and inheritance mode, an automated score was calculated to assess if this variant is too frequent to cause the disease. Based on the score and internal cut-off values, a variant classified as benign is not then subjected to further curation. The score for this variant resulted in a classification of benign for this disease.

Athena Diagnostics
Classification: Benign. Last evaluated: 2017-07-12. Review status: criteria provided, single submitter. Criteria: Athena Diagnostics Criteria. Collection method: clinical testing. Allele origin: germline.

Mayo Clinic Laboratories, Mayo Clinic
Classification: Benign. Last evaluated: 2015-10-13. Review status: criteria provided, single submitter. Criteria: ACMG Guidelines, 2015. Collection method: clinical testing. Allele origin: germline. Observed: 2,083 variant alleles.

GeneDx
Classification: Benign. Last evaluated: 2015-03-03. Review status: criteria provided, single submitter. Criteria: GeneDx Variant Classification Process June 2021. Collection method: clinical testing. Allele origin: germline. Affected: yes.

Breakthrough Genomics
Classification: Benign. Review status: criteria provided, single submitter. Criteria: ACMG Guidelines, 2015. Collection method: not provided. Allele origin: germline. Inheritance: Autosomal recessive inheritance. Affected: yes.

Molecular Genetics Laboratory, London Health Sciences Centre
Classification: Benign for Charcot-Marie-Tooth disease. Review status: criteria provided, single submitter. Criteria: ACMG Guidelines, 2015. Collection method: clinical testing. Allele origin: germline. Affected: yes.

PreventionGenetics, part of Exact Sciences
Classification: Benign. Review status: criteria provided, single submitter. Criteria: ACMG Guidelines, 2015. Collection method: clinical testing. Allele origin: germline.

Clinical Genetics, Academic Medical Center
Classification: Benign. Review status: no assertion criteria provided. Collection method: clinical testing. Allele origin: germline. Affected: yes. Study: VKGL Data-share Consensus. Not counted in ClinVar's aggregate classification.

Diagnostic Laboratory, Department of Genetics, University Medical Center Groningen
Classification: Benign. Review status: no assertion criteria provided. Collection method: clinical testing. Allele origin: germline. Affected: yes. Study: VKGL Data-share Consensus. Not counted in ClinVar's aggregate classification.

Genetic Services Laboratory, University of Chicago
Classification: Likely benign for AllHighlyPenetrant. Review status: no assertion criteria provided. Collection method: clinical testing. Allele origin: germline. Inheritance: Autosomal recessive inheritance. Not counted in ClinVar's aggregate classification.
Comment: Likely benign based on allele frequency in 1000 Genomes Project or ESP global frequency and its presence in a patient with a rare or unrelated disease phenotype. NOT Sanger confirmed.

Joint Genome Diagnostic Labs from Nijmegen and Maastricht, Radboudumc and MUMC+
Classification: Benign. Review status: no assertion criteria provided. Collection method: clinical testing. Allele origin: germline. Affected: yes. Study: VKGL Data-share Consensus. Not counted in ClinVar's aggregate classification.